The following is an entry in ClinVar:

ClinVar aggregate classification (germline): Conflicting classifications of pathogenicity. Review status: criteria provided, conflicting classifications (1 of 4 stars). 3 submissions from 3 submitters: Likely pathogenic (1); Uncertain significance (2). Last evaluated 2025-12-11.

Conditions:
PDE6B-related disorder. Also called: PDE6B-related disease; PDE6B-related condition; PDE6B-related disorders.

Allele frequency attached by ClinVar (database versions not stated): gnomAD exomes below 0.00001; TOPMed below 0.00001; gnomAD 0.00001.
gnomAD v4.1: 6 of 1,444,772 alleles (0.00042%); highest among the groups gnomAD compares: African/African-American, 0.0028%; no homozygotes.

Submissions (3):

PreventionGenetics, part of Exact Sciences
Classification: Uncertain significance for PDE6B-related condition. Last evaluated: 2025-12-11. Review status: criteria provided, single submitter. Criteria: ACMG Guidelines, 2015. Collection method: clinical testing. Allele origin: germline.
Comment: The PDE6B c.1615-11G>A variant is predicted to interfere with splicing. To our knowledge, this variant has not been reported in the literature. This variant is absent in a large population database (gnomAD), indicating this variant is rare. This variant has been classified in ClinVar as likely pathogenic by an outside laboratory (Variation ID: 1513342). Although we suspect that this variant may be pathogenic, at this time, the clinical significance of this variant is uncertain due to the absence of conclusive functional and genetic evidence.

Blueprint Genetics
Classification: Uncertain significance. Last evaluated: 2022-11-07. Review status: criteria provided, single submitter. Criteria: ACMG Guidelines, 2015. Collection method: clinical testing. Allele origin: germline.

Labcorp Genetics (formerly Invitae), Labcorp
Classification: Likely pathogenic. Last evaluated: 2022-09-06. Review status: criteria provided, single submitter. Criteria: Invitae Variant Classification Sherloc (09022015). Collection method: clinical testing. Allele origin: germline.
Comment: This sequence change falls in intron 12 of the PDE6B gene. It does not directly change the encoded amino acid sequence of the PDE6B protein. This variant is not present in population databases (gnomAD no frequency). This variant has been observed in individuals with retinitis pigmentosa (Invitae). ClinVar contains an entry for this variant (Variation ID: 1513342). Algorithms developed to predict the effect of sequence changes on RNA splicing suggest that this variant may disrupt the consensus splice site. In summary, the currently available evidence indicates that the variant is pathogenic, but additional data are needed to prove that conclusively. Therefore, this variant has been classified as Likely Pathogenic.

NM_000283.4(PDE6B):c.1615-11G>A

Gene: PDE6B (phosphodiesterase 6B; plus strand). Cytogenetic location: 4p16.3.
Variant type: single nucleotide variant.
Coding change: c.1615-11G>A on transcript NM_000283.4 (MANE Select); 11 bases into the intron before coding-DNA position 1615, G replaced by A.
Molecular consequence: intron variant.
Genome position (GRCh38, 1-based): chr4:662,123, G>A. VCF-style: chr4-662123-G-A. GRCh37 (hg19) VCF-style: chr4-655912-G-A.
Other names: c.1615-11G>A (NM_000283.3, NM_001145291.2); c.778-11G>A (NM_001379246.1, NM_001379247.1, NM_001145292.2 and 1 more transcripts); c.460-11G>A (NM_001350155.3).
Identifiers: ClinVar variation 1513342 (VCV001513342.10), dbSNP rs934976363, ClinGen allele CA91088630.